The following is an entry in ClinVar:

ClinVar aggregate classification (germline): Uncertain significance (1 of 4 stars; one submission).

Conditions:
Developmental and epileptic encephalopathy, 38 (DEE38). Also called: Epileptic encephalopathy, early infantile, 38. Identifiers: MedGen C4310762, MONDO:0014868, OMIM 617020.

Allele frequency attached by ClinVar (database versions not stated): ExAC 0.00001; gnomAD 0.00002; TOPMed 0.00002 and 0.00001; gnomAD exomes 0.00001.
gnomAD v4.1: 22 of 1,608,618 alleles (0.0014%); highest among the groups gnomAD compares: Non-Finnish European, 0.0018%; no homozygotes.

Submission:

Baylor Genetics
Classification: Uncertain significance for Developmental and epileptic encephalopathy, 38. Last evaluated: 2018-10-15. Review status: criteria provided, single submitter. Criteria: ACMG Guidelines, 2015. Collection method: clinical testing. Allele origin: paternal. Affected: yes.
Comment: This variant was determined to be of uncertain significance according to ACMG Guidelines, 2015 [PMID:25741868].

NM_022786.3(ARV1):c.29A>G (p.Gln10Arg)

Genes: ARV1 (ARV1 homolog, fatty acid homeostasis modulator; plus strand), LOC129932761 (ATAC-STARR-seq lymphoblastoid active region 2721; plus strand). Cytogenetic location: 1q42.2.
Variant type: single nucleotide variant.
Coding change: c.29A>G on transcript NM_022786.3 (MANE Select); coding-DNA position 29, A replaced by G.
Protein change: p.Gln10Arg; replaces glutamine 10 with arginine.
Molecular consequence: missense variant. On other transcripts: non-coding transcript variant (1).
Genome position (GRCh38, 1-based): chr1:230,979,134, A>G. VCF-style: chr1-230979134-A-G. GRCh37 (hg19) VCF-style: chr1-231114880-A-G.
Other names: c.29A>G, p.Gln10Arg (NM_001346992.2); short protein forms Q10R.
Identifiers: ClinVar variation 1034010 (VCV001034010.1), dbSNP rs747844345, ClinGen allele CA1450354.